The following is an entry in ClinVar:

ClinVar aggregate classification (germline): Benign/Likely benign. Review status: criteria provided, multiple submitters, no conflicts (2 of 4 stars). 6 submissions from 6 submitters: Benign (1); Likely benign (4). 1 of the submissions does not count toward it. Last evaluated 2026-03-01.

Conditions:
MACF1-related disorder. Also called: MACF1-related condition.
Inborn genetic diseases. Identifiers: MedGen C0950123, MeSH D030342.
Lissencephaly 9 with complex brainstem malformation. Identifiers: Orphanet 572013, MedGen C5193029, MONDO:0032677, OMIM 618325.

Allele frequency attached by ClinVar (database versions not stated): ExAC 0.00055; ESP Exome Variant Server 0.00185; 1000 Genomes Project 0.00220; gnomAD 0.00222; 1000 Genomes Project 30x 0.00265.
gnomAD v4.1: 613 of 1,614,102 alleles (0.038%); highest among the groups gnomAD compares: African/African-American, 0.72%; 3 homozygotes.

Submissions (7):

CeGaT Center for Human Genetics Tuebingen
Classification: Likely benign. Last evaluated: 2026-03-01. Review status: criteria provided, single submitter. Criteria: CeGaT Center For Human Genetics Tuebingen Variant Classification Criteria Version 2. Collection method: clinical testing. Allele origin: germline. Affected: yes. Observed: 2 variant alleles.
Comment: MACF1: BP4, BS2

Labcorp Genetics (formerly Invitae), Labcorp
Classification: Benign. Last evaluated: 2025-06-11. Review status: criteria provided, single submitter. Criteria: Invitae Variant Classification Sherloc (09022015). Collection method: clinical testing. Allele origin: germline.

Blueprint Genetics
Classification: Likely benign. Last evaluated: 2024-07-02. Review status: criteria provided, single submitter. Criteria: ACMG Guidelines, 2015. Collection method: clinical testing. Allele origin: germline.

Genome-Nilou Lab
Classification: Likely benign for Lissencephaly 9 with complex brainstem malformation. Last evaluated: 2023-04-11. Review status: criteria provided, single submitter. Criteria: ACMG Guidelines, 2015. Collection method: clinical testing. Allele origin: germline. Affected: no.

Ambry Genetics
Classification: Likely benign for Inborn genetic diseases. Last evaluated: 2021-08-17. Review status: criteria provided, single submitter. Criteria: Ambry Variant Classification Scheme 2023. Collection method: clinical testing. Allele origin: germline.

PreventionGenetics, part of Exact Sciences
Classification: Likely benign for MACF1-related condition. Last evaluated: 2021-01-18. Review status: no assertion criteria provided. Collection method: clinical testing. Allele origin: germline. Not counted in ClinVar's aggregate classification.
Comment: This variant is classified as likely benign based on ACMG/AMP sequence variant interpretation guidelines (Richards et al. 2015 PMID: 25741868, with internal and published modifications).

Dr. Peter K. Rogan Lab, Western University
No classification provided (evidence only). Condition: Nonpapillary renal cell carcinoma. Review status: no classification provided. Collection method: in vitro. Allele origin: not applicable. Functional consequence: skipped exon. Not counted in ClinVar's aggregate classification.

NM_001394062.1(MACF1):c.3344A>T (p.His1115Leu)

Gene: MACF1 (microtubule actin crosslinking factor 1; plus strand). Cytogenetic location: 1p34.3.
Variant type: single nucleotide variant.
Coding change: c.3344A>T on transcript NM_001394062.1 (MANE Select); coding-DNA position 3344, A replaced by T.
Protein change: p.His1115Leu; replaces histidine 1115 with leucine.
Molecular consequence: missense variant.
Genome position (GRCh38, 1-based): chr1:39,315,586, A>T. VCF-style: chr1-39315586-A-T. GRCh37 (hg19) VCF-style: chr1-39781258-A-T.
Other names: c.3359A>T, p.His1120Leu (NM_012090.5); short protein forms H1120L, H1115L.
Identifiers: ClinVar variation 2050839 (VCV002050839.33), dbSNP rs145184556, ClinGen allele CA779949.
Genomic context (GRCh38, chr1:39,315,586, plus strand): 5'-ATTTACAGCAATTGAGGTCAGACTTGGATGCAGTTTCTATGAAATGTGACAGCTTTCTCC[A>T]TCAGTCTCCATCTAGTTCAAGTGTCCCAACTCTGCGCTCAGAACTGAATCTGCTGGTGGA-3'
Protein context (NP_001380991.1, residues 1105-1125): AVSMKCDSFL[His1115Leu]QSPSSSSVPT